The following is an entry in ClinVar:

ClinVar aggregate classification (germline): Uncertain significance (1 of 4 stars; one submission).

gnomAD v4.1: 7 of 1,613,810 alleles (0.00043%); highest among the groups gnomAD compares: Non-Finnish European, 0.00059%; no homozygotes.

Submission:

GeneDx
Classification: Uncertain significance. Last evaluated: 2024-06-24. Review status: criteria provided, single submitter. Criteria: GeneDx Variant Classification Process June 2021. Collection method: clinical testing. Allele origin: germline. Affected: yes.
Comment: Not observed at significant frequency in large population cohorts (gnomAD); In silico analysis supports that this missense variant has a deleterious effect on protein structure/function; Has not been previously published as pathogenic or benign to our knowledge

NM_001366521.1(ATP2B1):c.1057A>T (p.Asn353Tyr)

Gene: ATP2B1 (ATPase plasma membrane Ca2+ transporting 1; minus strand). Cytogenetic location: 12q21.33.
Variant type: single nucleotide variant.
Coding change: c.1057A>T on transcript NM_001366521.1 (MANE Select); coding-DNA position 1057, A replaced by T.
Protein change: p.Asn353Tyr; replaces asparagine 353 with tyrosine.
Molecular consequence: missense variant. On other transcripts: non-coding transcript variant (3).
Genome position (GRCh38, 1-based): chr12:89,626,526, T>A on the plus strand (A>T on the coding strand, the complement: ATP2B1 is on the minus strand). VCF-style: chr12-89626526-T-A. GRCh37 (hg19) VCF-style: chr12-90020303-T-A.
Other names: c.1057A>T, p.Asn353Tyr (NM_001001323.2, NM_001366520.1, NM_001366522.1 and 13 more transcripts); c.859A>T, p.Asn287Tyr (NM_001366530.1, NM_001413053.1); c.496A>T, p.Asn166Tyr (NM_001366531.1, NM_001366532.1, NM_001413058.1 and 2 more transcripts); c.1018A>T, p.Asn340Tyr (NM_001413048.1); c.916A>T, p.Asn306Tyr (NM_001413051.1, NM_001413052.1, NM_001413055.1); c.802A>T, p.Asn268Tyr (NM_001413056.1); c.604A>T, p.Asn202Tyr (NM_001413057.1); short protein forms N166Y, N202Y, N268Y, N287Y, N306Y, N340Y, N353Y.
Identifiers: ClinVar variation 3392635 (VCV003392635.1).